The following is an entry in ClinVar:

NM_020041.3(SLC2A9):c.809T>C (p.Val270Ala)

Gene: SLC2A9 (solute carrier family 2 member 9; minus strand). Cytogenetic location: 4p16.1.
Variant type: single nucleotide variant.
Coding change: c.809T>C on transcript NM_020041.3 (MANE Select); coding-DNA position 809, T replaced by C.
Protein change: p.Val270Ala; replaces valine 270 with alanine.
Molecular consequence: missense variant.
Genome position (GRCh38, 1-based): chr4:9,941,918, A>G on the plus strand (T>C on the coding strand, the complement: SLC2A9 is on the minus strand). VCF-style: chr4-9941918-A-G. GRCh37 (hg19) VCF-style: chr4-9943542-A-G.
Other names: p.Val270Ala; c.722T>C, p.Val241Ala (NM_001001290.2); short protein forms V241A, V270A.
Identifiers: ClinVar variation 350219 (VCV000350219.18), dbSNP rs116183067, ClinGen allele CA2857090.
Genomic context (GRCh38, chr4:9,941,918, plus strand): 5'-GCAGTGATGATCTATGCAGGGGCTGGAGCTGTGCAGGAAAGGGAAGGGCCCTCACCTTTC[A>G]CAGCTCTTGCCTCGTTGTGCTTCTCCAAGAGCAGGTAGCGTGGGCTGTCCGGGAGAAAGG-3'
Protein context (NP_064425.2, residues 260-280): LLEKHNEARA[Val270Ala]KAFQTFLGKA

ClinVar aggregate classification (germline): Benign/Likely benign. Review status: criteria provided, multiple submitters, no conflicts (2 of 4 stars). 4 submissions from 4 submitters: Benign (2); Likely benign (1). 1 of the submissions does not count toward it. Last evaluated 2025-12-29.

Conditions:
SLC2A9-related disorder. Also called: SLC2A9-related condition.
Hypouricemia, renal, 2. Also called: HYPOURICEMIA, RENAL, 2, AUTOSOMAL DOMINANT; HYPOURICEMIA, RENAL, 2, AUTOSOMAL RECESSIVE. Identifiers: MedGen C2677549, MONDO:0012793, OMIM 612076.

Allele frequency attached by ClinVar (database versions not stated): gnomAD exomes 0.00034 and 0.00078; ExAC 0.00102; ESP Exome Variant Server 0.00284; 1000 Genomes Project 30x 0.00297; 1000 Genomes Project 0.00319; gnomAD 0.00340 and 0.00368; TOPMed 0.00378.
gnomAD v4.1: 1,033 of 1,614,076 alleles (0.064%); highest among the groups gnomAD compares: African/African-American, 1.2%; 8 homozygotes.

Submissions (4):

Labcorp Genetics (formerly Invitae), Labcorp
Classification: Benign. Last evaluated: 2025-12-29. Review status: criteria provided, single submitter. Criteria: Invitae Variant Classification Sherloc (09022015). Collection method: clinical testing. Allele origin: germline.

Mayo Clinic Laboratories, Mayo Clinic
Classification: Likely benign. Last evaluated: 2025-09-09. Review status: criteria provided, single submitter. Criteria: ACMG Guidelines, 2015. Collection method: clinical testing. Allele origin: germline. Observed: 1 variant allele.
Comment: BS1, BP4_moderate

Illumina Laboratory Services, Illumina
Classification: Benign for Hypouricemia, renal, 2. Last evaluated: 2018-01-13. Review status: criteria provided, single submitter. Criteria: ICSL Variant Classification Criteria 13 December 2019. Collection method: clinical testing. Allele origin: germline.
Comment: This variant was observed in the ICSL laboratory as part of a predisposition screen in an ostensibly healthy population. It had not been previously curated by ICSL or reported in the Human Gene Mutation Database (HGMD: prior to June 1st, 2018), and was therefore a candidate for classification through an automated scoring system. Utilizing variant allele frequency, disease prevalence and penetrance estimates, and inheritance mode, an automated score was calculated to assess if this variant is too frequent to cause the disease. Based on the score and internal cut-off values, a variant classified as benign is not then subjected to further curation. The score for this variant resulted in a classification of benign for this disease.

PreventionGenetics, part of Exact Sciences
Classification: Benign for SLC2A9-related condition. Last evaluated: 2019-05-15. Review status: no assertion criteria provided. Collection method: clinical testing. Allele origin: germline. Not counted in ClinVar's aggregate classification.
Comment: This variant is classified as benign based on ACMG/AMP sequence variant interpretation guidelines (Richards et al. 2015 PMID: 25741868, with internal and published modifications).